The following is an entry in ClinVar:

ClinVar aggregate classification (germline): Uncertain significance (1 of 4 stars; one submission).

Conditions:
Hereditary cancer-predisposing syndrome. Also called: Hereditary Cancer Syndrome; Neoplastic Syndromes, Hereditary; Tumor predisposition; Hereditary neoplastic syndrome. Identifiers: Orphanet 140162, MedGen C0027672, MeSH D009386, MONDO:0015356.

Submission:

Ambry Genetics
Classification: Uncertain significance for Hereditary cancer-predisposing syndrome. Last evaluated: 2026-06-18. Review status: criteria provided, single submitter. Criteria: Ambry Variant Classification Scheme 2023. Collection method: clinical testing. Allele origin: germline.
Comment: The c.1009-3T>C intronic variant results from a T to C substitution 3 nucleotides upstream from coding exon 9 in the CHEK2 gene. This nucleotide position is well conserved in available vertebrate species. In silico splice site analysis predicts that this alteration will not have any significant effect on splicing. Based on the available evidence, the clinical significance of this variant remains unclear.

NM_007194.4(CHEK2):c.1009-3T>C

Gene: CHEK2 (checkpoint kinase 2; minus strand). Cytogenetic location: 22q12.1.
Variant type: single nucleotide variant.
Coding change: c.1009-3T>C on transcript NM_007194.4 (MANE Select); 3 bases into the intron before coding-DNA position 1009, T replaced by C.
Molecular consequence: intron variant.
Genome position (GRCh38, 1-based): chr22:28,696,990, A>G on the plus strand (T>C on the coding strand, the complement: CHEK2 is on the minus strand). VCF-style: chr22-28696990-A-G. GRCh37 (hg19) VCF-style: chr22-29092978-A-G.
Other names: c.346-3T>C (NM_001437942.1, NM_001257387.3); c.808-3T>C (NM_001349956.3); c.1009-1117T>C (NM_145862.3); c.1102-1117T>C (NM_001438295.1); c.1102-3T>C (NM_001438293.1); c.1138-1117T>C (NM_001438294.1); c.1138-3T>C (NM_001005735.3).
Identifiers: ClinVar variation 5034545 (VCV005034545.1).